The following is an entry in ClinVar:

NM_000051.4(ATM):c.1637T>C (p.Leu546Pro)

Gene: ATM (ATM serine/threonine kinase; plus strand). Cytogenetic location: 11q22.3.
Variant type: single nucleotide variant.
Coding change: c.1637T>C on transcript NM_000051.4 (MANE Select); coding-DNA position 1637, T replaced by C.
Protein change: p.Leu546Pro; replaces leucine 546 with proline.
Molecular consequence: missense variant.
Genome position (GRCh38, 1-based): chr11:108,251,866, T>C. VCF-style: chr11-108251866-T-C. GRCh37 (hg19) VCF-style: chr11-108122593-T-C.
Other names: c.1637T>C, p.Leu546Pro (NM_001351834.2); short protein forms L546P.
Identifiers: ClinVar variation 580280 (VCV000580280.10), dbSNP rs1565385177, ClinGen allele CA382534525.

ClinVar aggregate classification (germline): Uncertain significance (1 of 4 stars; one submission).

Conditions:
Ataxia-telangiectasia syndrome (AT). Also called: Cerebello-oculocutaneous telangiectasia; Immunodeficiency with ataxia telangiectasia; Ataxia telangiectasia (A-T); Ataxia-telangiectasia, complementation group E; LOUIS-BAR SYNDROME; Ataxia-telangiectasia. Identifiers: Orphanet 100, MedGen C0004135, MONDO:0008840, OMIM 208900.

Submission:

Labcorp Genetics (formerly Invitae), Labcorp
Classification: Uncertain significance for Ataxia-telangiectasia syndrome. Last evaluated: 2025-11-18. Review status: criteria provided, single submitter. Criteria: Invitae Variant Classification Sherloc (09022015). Collection method: clinical testing. Allele origin: germline.
Comment: This sequence change replaces leucine, which is neutral and non-polar, with proline, which is neutral and non-polar, at codon 546 of the ATM protein (p.Leu546Pro). This variant is not present in population databases (gnomAD no frequency). This variant has not been reported in the literature in individuals affected with ATM-related conditions. ClinVar contains an entry for this variant (Variation ID: 580280). Invitae Evidence Modeling of protein sequence and biophysical properties (such as structural, functional, and spatial information, amino acid conservation, physicochemical variation, residue mobility, and thermodynamic stability) indicates that this missense variant is not expected to disrupt ATM protein function with a negative predictive value of 95%. In summary, the available evidence is currently insufficient to determine the role of this variant in disease. Therefore, it has been classified as a Variant of Uncertain Significance.